The following is an entry in ClinVar:

ClinVar aggregate classification (germline): Uncertain significance. Review status: criteria provided, multiple submitters, no conflicts (2 of 4 stars). 8 submissions from 8 submitters: Uncertain significance (8). Last evaluated 2025-11-25.

Conditions:
Hereditary cancer-predisposing syndrome. Also called: Hereditary Cancer Syndrome; Neoplastic Syndromes, Hereditary; Tumor predisposition; Hereditary neoplastic syndrome. Identifiers: Orphanet 140162, MedGen C0027672, MeSH D009386, MONDO:0015356.
Fanconi anemia complementation group J. Also called: BRIP1-Related Fanconi Anemia. Identifiers: Orphanet 84, MedGen C1836860, MONDO:0012187, OMIM 609054.
Familial cancer of breast. Also called: Hereditary breast cancer; hereditary breast carcinoma; BREAST CANCER, FAMILIAL. Identifiers: Orphanet 227535, MedGen C0346153, MONDO:0016419, OMIM 114480. Disease mechanism: loss of function.

Allele frequency attached by ClinVar (database versions not stated): gnomAD exomes below 0.00001; gnomAD 0.00001; TOPMed 0.00001; ESP Exome Variant Server 0.00008.
gnomAD v4.1: 5 of 1,600,038 alleles (0.00031%); highest among the groups gnomAD compares: African/African-American, 0.0013%; no homozygotes.

Submissions (8):

Labcorp Genetics (formerly Invitae), Labcorp
Classification: Uncertain significance for Familial cancer of breast; Fanconi anemia complementation group J. Last evaluated: 2025-11-25. Review status: criteria provided, single submitter. Criteria: Invitae Variant Classification Sherloc (09022015). Collection method: clinical testing. Allele origin: germline.
Comment: This sequence change replaces glycine, which is neutral and non-polar, with arginine, which is basic and polar, at codon 69 of the BRIP1 protein (p.Gly69Arg). This variant also falls at the last nucleotide of exon 3, which is part of the consensus splice site for this exon. This variant is not present in population databases (gnomAD no frequency). This missense change has been observed in individual(s) with BRIP1-related conditions (PMID: 25318351). ClinVar contains an entry for this variant (Variation ID: 230053). Invitae Evidence Modeling of protein sequence and biophysical properties (such as structural, functional, and spatial information, amino acid conservation, physicochemical variation, residue mobility, and thermodynamic stability) indicates that this missense variant is not expected to disrupt BRIP1 protein function with a negative predictive value of 95%. Variants that disrupt the consensus splice site are a relatively common cause of aberrant splicing (PMID: 17576681, 9536098). RNA analysis performed to evaluate the impact of this missense change on mRNA splicing indicates it does not significantly alter splicing (internal data). In summary, the available evidence is currently insufficient to determine the role of this variant in disease. Therefore, it has been classified as a Variant of Uncertain Significance.

Color Diagnostics, LLC DBA Color Health
Classification: Uncertain significance for Hereditary cancer-predisposing syndrome. Last evaluated: 2025-10-14. Review status: criteria provided, single submitter. Criteria: ACMG Guidelines, 2015. Collection method: clinical testing. Allele origin: germline.
Comment: This missense variant replaces glycine with arginine at codon 69 of the BRIP1 protein. Computational prediction suggests that this variant may not impact protein structure and function. To our knowledge, protein functional studies have not been performed for this variant. This variant has been reported in individuals affected with breast cancer in the literature, but also in unaffected individuals (PMID: 25318351, 26921362). This variant has not been identified in the general population by the Genome Aggregation Database (gnomAD). The available evidence is insufficient to determine the role of this variant in disease conclusively. Therefore, this variant is classified as a Variant of Uncertain Significance.

Ambry Genetics
Classification: Uncertain significance for Hereditary cancer-predisposing syndrome. Last evaluated: 2025-07-23. Review status: criteria provided, single submitter. Criteria: Ambry Variant Classification Scheme 2023. Collection method: clinical testing. Allele origin: germline.
Comment: The p.G69R variant (also known as c.205G>A), located in coding exon 2 of the BRIP1 gene, results from a G to A substitution at nucleotide position 205. The amino acid change results in glycine to arginine at codon 69, an amino acid with dissimilar properties. In addition, this change occurs in the last base pair of coding exon 2, which makes it likely to have some effect on normal mRNA splicing. However, RNA studies have demonstrated that this alteration does not result in abnormal splicing in the set of samples tested (Ambry internal data). In one study, this variant was reported in one of 5242 controls but in 0/13213 breast cancer cases (Easton DF et al. J. Med. Genet., 2016 05;53:298-309). This amino acid position is poorly conserved in available vertebrate species. In addition, as a missense substitution, this alteration is predicted to be tolerated by in silico analysis. Since supporting evidence is limited at this time, the clinical significance of this alteration remains unclear.

Women's Health and Genetics/Laboratory Corporation of America, LabCorp
Classification: Uncertain significance. Last evaluated: 2025-01-27. Review status: criteria provided, single submitter. Criteria: LabCorp Variant Classification Summary - May 2015. Collection method: clinical testing. Allele origin: germline.
Comment: Variant summary: BRIP1 c.205G>A (p.Gly69Arg) results in a non-conservative amino acid change located in the P-loop containing nucleotide triphosphate hydrolases domain (IPR027417) of the encoded protein sequence. Three of five in-silico tools predict a benign effect of the variant on protein function. Several computational tools predict a significant impact on normal splicing: Two predict the variant weakens a 5' donor site. One predicts the variant abolishes a 5' splicing donor site. One predicts the variant creates a 3' acceptor site. Multiple laboratories have submitted RNA splicing evidence for this variant to ClinVar, without clear results. The variant was absent in 251316 control chromosomes. The available data on variant occurrences in the general population are insufficient to allow any conclusion about variant significance. c.205G>A has been reported in the presumed heterozygous state in the literature in at least 1 individual undergoing genetic testing using a cancer gene panel (example, Yorczyk_2015). These report(s) do not provide unequivocal conclusions about association of the variant with BRIP1-related conditions. To our knowledge, no experimental evidence demonstrating an impact on protein function has been reported. The following publications have been ascertained in the context of this evaluation (PMID: 25318351, 26921362). ClinVar contains an entry for this variant (Variation ID: 230053). Based on the evidence outlined above, the variant was classified as uncertain significance.

Baylor Genetics
Classification: Uncertain significance for Familial cancer of breast. Last evaluated: 2024-01-31. Review status: criteria provided, single submitter. Criteria: ACMG Guidelines, 2015. Collection method: clinical testing. Allele origin: unknown.

GeneDx
Classification: Uncertain significance. Last evaluated: 2023-03-02. Review status: criteria provided, single submitter. Criteria: GeneDx Variant Classification Process June 2021. Collection method: clinical testing. Allele origin: germline. Affected: yes.
Comment: Not observed at significant frequency in large population cohorts (gnomAD); In silico analysis supports that this missense variant does not alter protein structure/function; Not observed in any breast cancer cases, but was observed in unaffected controls (Easton et al., 2016); This variant is associated with the following publications: (PMID: 25318351, 26921362)

St. Jude Molecular Pathology, St. Jude Children's Research Hospital
Classification: Uncertain significance for Familial cancer of breast. Last evaluated: 2022-12-08. Review status: criteria provided, single submitter. Criteria: St. Jude Assertion Criteria 2020. Collection method: clinical testing. Allele origin: germline.
Comment: The BRIP1 c.205G>A (p.Gly69Arg ) missense change is absent in gnomAD v2.1.1. The in silico tool REVEL predicts a benign effect on protein function, but to our knowledge this prediction has not been confirmed by functional studies. This variant is located adjacent to the donor splice site of intron 3, and algorithms that predict the impact of sequence changes on splicing indicate that this variant does not affect splicing. In addition, internal RNA data demonstrates normal splicing. A case-control study of 13213 breast cancer patients and 5242 UK controls identified the variant only in one unaffected individual (PMID:? 2692136). The variant was also reported in individual(s) meeting criteria for hereditary breast or colon cancer testing (PMID: 25318351). To our knowledge, this variant has not been reported in individuals with Fanconi anemia. In summary, the evidence currently available is insufficient to determine the clinical significance of this variant. It has therefore been classified as of uncertain significance.

Quest Diagnostics Nichols Institute San Juan Capistrano
Classification: Uncertain significance. Last evaluated: 2019-06-07. Review status: criteria provided, single submitter. Criteria: Quest Diagnostics criteria. Collection method: clinical testing. Allele origin: germline.

Literature cited by the submitters: PubMed 25318351 (cited by 4 submitters); PubMed 17576681 (cited by Labcorp Genetics (formerly Invitae), Labcorp); PubMed 9536098 (cited by Labcorp Genetics (formerly Invitae), Labcorp); PubMed 26921362 (cited by 4 submitters).

NM_032043.3(BRIP1):c.205G>A (p.Gly69Arg)

Gene: BRIP1 (BRCA1 interacting DNA helicase 1; minus strand). Cytogenetic location: 17q23.2.
Variant type: single nucleotide variant.
Coding change: c.205G>A on transcript NM_032043.3 (MANE Select); coding-DNA position 205, G replaced by A.
Protein change: p.Gly69Arg; replaces glycine 69 with arginine.
Molecular consequence: missense variant.
Genome position (GRCh38, 1-based): chr17:61,859,796, C>T on the plus strand (G>A on the coding strand, the complement: BRIP1 is on the minus strand). VCF-style: chr17-61859796-C-T. GRCh37 (hg19) VCF-style: chr17-59937157-C-T.
Other names: short protein forms G69R.
Identifiers: ClinVar variation 230053 (VCV000230053.30), dbSNP rs372581879, ClinGen allele CA10580891.
Genomic context (GRCh38, chr17:61,859,796, plus strand): 5'-ACTGTATTATATTTTCTCAGATCCCAGTAAGTAACCTGAAGATATCAAGCAACTACTTAC[C>T]ACTAAGAGATTGTTGCCATGCTAAAGCAGAACAAAGTAAGGCTAAGCTTTTTCCACTTCC-3'
Protein context (NP_114432.2, residues 59-79): SALAWQQSLS[Gly69Arg]KPADEGVSEK